The following is an entry in ClinVar:

NM_020988.3(GNAO1):c.22GAG[1] (p.Glu9del)

Gene: GNAO1 (G protein subunit alpha o1; plus strand). Cytogenetic location: 16q13.
Variant type: Microsatellite.
Coding change: c.22GAG[1] on transcript NM_020988.3 (MANE Select); one copy of the 3-base unit GAG starting at c.22; the reference has two copies in a row; one copy, 3 bases deleted.
Protein change: p.Glu9del; deletes glutamic acid 9.
Molecular consequence: inframe deletion.
Genome position (GRCh38, 1-based): chr16:56,192,260-56,192,262, GAG deleted; deleting any 3 consecutive bases within chr16:56,192,257-56,192,262 gives the same sequence; the position shown is the placement nearest the transcript's 3' end. VCF-style (leftmost placement, unchanged base first): chr16-56192256-AGAG-A. GRCh37 (hg19) VCF-style: chr16-56226168-AGAG-A.
Other names: c.22GAG[1], p.Glu9del (NM_138736.3); short protein forms E9del.
Identifiers: ClinVar variation 2698697 (VCV002698697.3), dbSNP rs2506529325, ClinGen allele CA2697555848.
Genomic context (GRCh38, chr16:56,192,256, plus strand): 5'-CCAGCCGAGTCGTGCGGGCTGTGGCAGGGAAGGGGCCACCATGGGATGTACTCTGAGCGC[AGAG>A]GAGAGAGCCGCCCTCGAGCGGAGCAAGGCGATTGAGAAAAACCTCAAAGAGGATGGCATC-3'

ClinVar aggregate classification (germline): Uncertain significance (1 of 4 stars; one submission).

Conditions:
Early-infantile DEE. Also called: Ohtahara syndrome; Early infantile epileptic encephalopathy with suppression bursts; Early infantile epileptic encephalopathy. Identifiers: Orphanet 1934, MedGen C0393706, MONDO:0800491.

Submission:

Labcorp Genetics (formerly Invitae), Labcorp
Classification: Uncertain significance for Early-infantile DEE. Last evaluated: 2024-09-23. Review status: criteria provided, single submitter. Criteria: Invitae Variant Classification Sherloc (09022015). Collection method: clinical testing. Allele origin: germline.
Comment: This variant, c.25_27del, results in the deletion of 1 amino acid(s) of the GNAO1 protein (p.Glu9del), but otherwise preserves the integrity of the reading frame. This variant is not present in population databases (gnomAD no frequency). This variant has not been reported in the literature in individuals affected with GNAO1-related conditions. Experimental studies and prediction algorithms are not available or were not evaluated, and the functional significance of this variant is currently unknown. In summary, the available evidence is currently insufficient to determine the role of this variant in disease. Therefore, it has been classified as a Variant of Uncertain Significance.